The following is an entry in ClinVar:

ClinVar aggregate classification (germline): Uncertain significance (1 of 4 stars; one submission).

Conditions:
Joubert syndrome 21 (JBTS21). Identifiers: MedGen C3810212, MONDO:0014288, OMIM 615636.

Allele frequency attached by ClinVar (database versions not stated): gnomAD exomes below 0.00001; TOPMed below 0.00001; ExAC 0.00001.
gnomAD v4.1: 2 of 1,586,724 alleles (0.00013%); highest among the groups gnomAD compares: Admixed American, 0.0018%; no homozygotes.

Submission:

Labcorp Genetics (formerly Invitae), Labcorp
Classification: Uncertain significance for Joubert syndrome 21. Last evaluated: 2021-04-18. Review status: criteria provided, single submitter. Criteria: Invitae Variant Classification Sherloc (09022015). Collection method: clinical testing. Allele origin: germline.
Comment: In summary, the available evidence is currently insufficient to determine the role of this variant in disease. Therefore, it has been classified as a Variant of Uncertain Significance. Algorithms developed to predict the effect of missense changes on protein structure and function (SIFT, PolyPhen-2, Align-GVGD) all suggest that this variant is likely to be tolerated, but these predictions have not been confirmed by published functional studies and their clinical significance is uncertain. This variant has not been reported in the literature in individuals with CSPP1-related conditions. This variant is present in population databases (rs767674652, ExAC 0.009%). This sequence change replaces arginine with glycine at codon 99 of the CSPP1 protein (p.Arg99Gly). The arginine residue is weakly conserved and there is a moderate physicochemical difference between arginine and glycine.

NM_001382391.1(CSPP1):c.187A>G (p.Arg63Gly)

Gene: CSPP1 (centrosome and spindle pole associated protein 1; plus strand). Cytogenetic location: 8q13.1.
Variant type: single nucleotide variant.
Coding change: c.187A>G on transcript NM_001382391.1 (MANE Select); coding-DNA position 187, A replaced by G.
Protein change: p.Arg63Gly; replaces arginine 63 with glycine.
Molecular consequence: missense variant.
Genome position (GRCh38, 1-based): chr8:67,076,569, A>G. VCF-style: chr8-67076569-A-G. GRCh37 (hg19) VCF-style: chr8-67988804-A-G.
Other names: c.187A>G, p.Arg63Gly (NM_001363131.2, NM_001363132.2, NM_001363133.2); c.295A>G, p.Arg99Gly (NM_001364869.1, NM_001364870.1, NM_024790.7); short protein forms R63G, R99G.
Identifiers: ClinVar variation 1346661 (VCV001346661.6), dbSNP rs767674652, ClinGen allele CA4770154.